The following is an entry in ClinVar:

NM_007294.4(BRCA1):c.2160del (p.Glu720fs)

Gene: BRCA1 (BRCA1 DNA repair associated; minus strand). Cytogenetic location: 17q21.31.
Variant type: Deletion.
Coding change: c.2160del on transcript NM_007294.4 (MANE Select); coding-DNA position 2160, one base deleted (A; older notation c.2160delA).
Protein change: p.Glu720fs; shifts the reading frame from glutamic acid 720.
Molecular consequence: frameshift variant. On other transcripts: intron variant (137).
Genome position (GRCh38, 1-based): chr17:43,093,371, T deleted on the plus strand (A on the coding strand, the reverse complement: BRCA1 is on the minus strand); the first of 2 consecutive T bases (chr17:43,093,371-43,093,372); deleting either gives the same sequence. VCF-style (leftmost placement, unchanged base first): chr17-43093370-AT-A. GRCh37 (hg19) VCF-style: chr17-41245387-AT-A.
Other names: c.1947del, p.Glu649fs (NM_001407571.1, NM_001407853.1, NM_001407894.1 and 9 more transcripts); c.2160del, p.Glu720fs (NM_001407581.1, NM_001407582.1, NM_001407583.1 and 30 more transcripts); c.2157del, p.Glu719fs (NM_001407587.1, NM_001407590.1, NM_001407591.1 and 22 more transcripts); c.2160delA (NM_007294.3); c.2151del, p.Glu717fs (NM_001407646.1, NM_001407647.1); c.2037del, p.Glu679fs (NM_001407648.1, NM_001407664.1, NM_001407665.1 and 19 more transcripts); c.2034del, p.Glu678fs (NM_001407649.1, NM_001407670.1, NM_001407671.1 and 11 more transcripts); c.2082del, p.Glu694fs (NM_001407653.1, NM_001407654.1, NM_001407655.1 and 4 more transcripts); and 42 more; short protein forms E673fs, E720fs, E552fs, E609fs, E652fs, E653fs, E678fs, E693fs.
Identifiers: ClinVar variation 654815 (VCV000654815.12), dbSNP rs1567796774, ClinGen allele CA915950105.

ClinVar aggregate classification (germline): Pathogenic. Review status: criteria provided, multiple submitters, no conflicts (2 of 4 stars). 2 submissions from 2 submitters: Pathogenic (2). Last evaluated 2021-09-07.

Conditions:
Hereditary cancer-predisposing syndrome. Also called: Hereditary neoplastic syndrome; Tumor predisposition; Neoplastic Syndromes, Hereditary; Hereditary Cancer Syndrome. Identifiers: Orphanet 140162, MedGen C0027672, MeSH D009386, MONDO:0015356.
Hereditary breast ovarian cancer syndrome. Also called: Hereditary breast and ovarian cancer; Hereditary breast and/or ovarian cancer syndrome; Breast and ovarian cancer; BRCA1- and BRCA2-Associated Hereditary Breast and Ovarian Cancer; Hereditary breast and ovarian cancer syndrome; Hereditary breast and ovarian cancer syndrome (HBOC). Identifiers: Orphanet 145, MedGen C0677776, MeSH D061325, MONDO:0003582. Disease mechanism: loss of function.

Submissions (2):

Color Diagnostics, LLC DBA Color Health
Classification: Pathogenic for Hereditary cancer-predisposing syndrome. Last evaluated: 2021-09-07. Review status: criteria provided, single submitter. Criteria: ACMG Guidelines, 2015. Collection method: clinical testing. Allele origin: germline.
Comment: This variant deletes 1 nucleotide in exon 10 of the BRCA1 gene, creating a frameshift and premature translation stop signal. This variant is expected to result in an absent or non-functional protein product. To our knowledge, functional studies have not been reported for this variant. This variant has been reported in an individual affected with ovarian cancer (PMID: 28176296). This variant has not been identified in the general population by the Genome Aggregation Database (gnomAD). Loss of BRCA1 function is a known mechanism of disease. Based on the available evidence, this variant is classified as Pathogenic.

Labcorp Genetics (formerly Invitae), Labcorp
Classification: Pathogenic for Hereditary breast ovarian cancer syndrome. Last evaluated: 2018-10-29. Review status: criteria provided, single submitter. Criteria: Invitae Variant Classification Sherloc (09022015). Collection method: clinical testing. Allele origin: germline.
Comment: Loss-of-function variants in BRCA1 are known to be pathogenic (PMID: 20104584). This variant has been observed in an individual affected with ovarian cancer (PMID: 28176296). This variant is not present in population databases (ExAC no frequency). This sequence change creates a premature translational stop signal (p.Glu720Aspfs*16) in the BRCA1 gene. It is expected to result in an absent or disrupted protein product. For these reasons, this variant has been classified as Pathogenic.

Literature cited by the submitters: PubMed 28176296 (cited by Color Diagnostics, LLC DBA Color Health and Labcorp Genetics (formerly Invitae), Labcorp); PubMed 20104584 (cited by Labcorp Genetics (formerly Invitae), Labcorp).